The following is an entry in ClinVar:

NM_001386393.1(PANK2):c.821C>T (p.Pro274Leu)

Gene: PANK2 (pantothenate kinase 2; plus strand). Cytogenetic location: 20p13.
Variant type: single nucleotide variant.
Coding change: c.821C>T on transcript NM_001386393.1 (MANE Select); coding-DNA position 821, C replaced by T.
Protein change: p.Pro274Leu; replaces proline 274 with leucine.
Molecular consequence: missense variant. On other transcripts: 5 prime UTR variant (1), non-coding transcript variant (1).
Genome position (GRCh38, 1-based): chr20:3,910,746, C>T. VCF-style: chr20-3910746-C-T. GRCh37 (hg19) VCF-style: chr20-3891393-C-T.
Other names: c.278C>T, p.Pro93Leu (NM_001324191.2, NM_024960.6, NM_153640.4); c.-158C>T (NM_001324193.2); c.1151C>T, p.Pro384Leu (NM_153638.4); short protein forms P274L, P384L, P93L.
Identifiers: ClinVar variation 4884831 (VCV004884831.1).
Genomic context (GRCh38, chr20:3,910,746, plus strand): 5'-AAAACCCTGCTGATTCTGAAAAGTGTCAGAAGTTACCATTTGATTTGAAAAATCCGTATC[C>T]TCTGCTTCTGGTGAACATTGGCTCAGGGGTTAGCATCTTAGCAGTATATTCCAAAGATAA-3'
Protein context (NP_001373322.1, residues 264-284): KLPFDLKNPY[Pro274Leu]LLLVNIGSGV

ClinVar aggregate classification (germline): Pathogenic (0 of 4 stars; one submission).

Conditions:
Pigmentary pallidal degeneration (NBIA1). Also called: PKAN NEUROAXONAL DYSTROPHY, JUVENILE-ONSET; Pantothenate Kinase-Associated Neurodegeneration; Neuroaxonal dystrophy, late infantile; Hallervorden-Spatz disease; Neurodegeneration with brain iron accumulation 1; HARP SYNDROME. Identifiers: Orphanet 157850, MedGen C0018523, MONDO:0009319, OMIM 234200.

gnomAD v4.1: 1 of 1,614,130 alleles (0.000062%); highest among the groups gnomAD compares: Non-Finnish European, 0.000085%; no homozygotes.

Submission:

Hong-Tao Li Lab, Institute of Brain Science and Brain-inspired Research, Shandong First Medical University & Shandong Academy of Medical Sciences China
Classification: Pathogenic for Pigmentary pallidal degeneration. Review status: no assertion criteria provided. Collection method: research. Allele origin: germline. Inheritance: Autosomal recessive inheritance. Affected: yes. Observed: 1 variant allele, 1 homozygote.
Comment: Observed in affected individuals from a Pakistani neurodevelopmental-disorder research cohort of 263 individuals. Classification assigned using the ACMG/AMP framework.